The following is an entry in ClinVar:

NM_000104.4(CYP1B1):c.1405C>T (p.Arg469Trp)

Genes: CYP1B1 (cytochrome P450 family 1 subfamily B member 1; minus strand), LOC128772254 (melanoma risk locus-associated MPRA allelic enhancer 2:38298139; plus strand). Cytogenetic location: 2p22.2.
Variant type: single nucleotide variant.
Coding change: c.1405C>T on transcript NM_000104.4 (MANE Select); coding-DNA position 1405, C replaced by T.
Protein change: p.Arg469Trp; replaces arginine 469 with tryptophan.
Molecular consequence: missense variant.
Genome position (GRCh38, 1-based): chr2:38,070,949, G>A on the plus strand (C>T on the coding strand, the complement: CYP1B1 is on the minus strand). VCF-style: chr2-38070949-G-A. GRCh37 (hg19) VCF-style: chr2-38298092-G-A.
Other names: NM_000104.4(CYP1B1):c.1405C>T; short protein forms R469W.
Identifiers: ClinVar variation 7733 (VCV000007733.43), dbSNP rs28936701, ClinGen allele CA254239.

ClinVar aggregate classification (germline): Pathogenic. Review status: reviewed by expert panel (3 of 4 stars). 15 submissions from 15 submitters: Pathogenic (1). 14 of the submissions do not count toward it. Last evaluated 2025-11-19.

Conditions:
CYP1B1-related glaucoma with or without anterior segment dysgenesis. Identifiers: MedGen CN375931, MONDO:0800472.
Congenital glaucoma. Identifiers: MedGen C0020302, MONDO:0020366.
Glaucoma 3A. Also called: Glaucoma 3, primary congenital, A. Identifiers: Orphanet 98976, Orphanet 98977, MedGen C1856439, MONDO:0009277, OMIM 231300.
Anterior segment dysgenesis 6 (ASGD6). Also called: Anterior segment dysgenesis 6, multiple subtypes. Identifiers: MedGen C4310623, MONDO:0015016, OMIM 617315.
CYP1B1-related disorder. Also called: CYP1B1-Related Disorders. Identifiers: MedGen CN239260.
Primary congenital glaucoma. Also called: Primary congenital glaucoma (disease). Identifiers: MedGen C1533041, MONDO:0000365, HP:0008007.

Allele frequency attached by ClinVar (database versions not stated): gnomAD 0.00004 and 0.00005; ExAC 0.00005; gnomAD exomes 0.00005; TOPMed 0.00005.
gnomAD v4.1: 67 of 1,614,126 alleles (0.0042%); highest among the groups gnomAD compares: Middle Eastern, 0.099%; 1 homozygote.

Submissions 1 to 9 of 15:

ClinGen Glaucoma Variant Curation Expert Panel
Classification: Pathogenic for CYP1B1-related glaucoma with or without anterior segment dysgenesis. Last evaluated: 2025-11-19. Review status: reviewed by expert panel. Criteria: ClinGen CYP1B1 ACMG Specifications V1 Approved. Collection method: curation. Allele origin: germline. Inheritance: Autosomal recessive inheritance.
Comment: The c.1405C>T variant in CYP1B1 is a missense variant predicted to cause substitution of Arginine by Tryptophan at amino acid 469 (p.Arg469Trp). This missense variant is located in the L-helix including the haem-binding domain, meeting PM1. The highest minor allele frequency of this variant was in the Middle Eastern genetic ancestry group of gnomAD (v4.1.0) = 0.0009901 (6 alleles out of 6,060), which did not meet the PM2_Supporting allele frequency threshold (≤ 0.0005) or the BS1 allele frequency threshold (≥ 0.01). The REVEL score = 0.723, which was within the 0.644-0.772 range for PP3, predicting a damaging effect on CYP1B1 function. A previous study (PMID: 12807732) demonstrated that the Arg469Trp protein had reduced Benzo[a]pyrene Activity levels compared to wild type CYP1B1 protein and met the OddsPath threshold for PS3_Supporting (> 2.1), indicating that this variant did impact protein function. This variant was also assessed in PMIDs: 27243976, 19234632, 11740343, however, the assays reported did not meet the OddsPath threshold (> 2.1) or the threshold for abnormal impact on protein function in the assay could not be determined. 3 affected segregations with a CYP1B1-related phenotype have been reported (PMIDs: 9497261), which fulfilled PP1_Strong. There were more family studies published than presented here. This variant has been identified in 5 individuals with a CYP1B1-related phenotype. 3 individuals are compound heterozygous for the variant and a pathogenic or likely pathogenic variant (confirmed in trans) and 2 are homozygous (non-consanguineous) for the variant (PMIDs: 9497261, 19234632, 23922489). Total proband points = 4, meeting PM3_Very strong. There were more cases published than presented here. In summary, this variant met the criteria to receive a score of 16 and to be classified as pathogenic (pathogenic classification ≥ 10, adapted from PMID: 32720330) for CYP1B1-related glaucoma with or without anterior segment dysgenesis (ASD) based on the ACMG/AMP criteria met, as specified by the ClinGen Glaucoma VCEP (v1.0, 06.11.2025): PM3_Very-Strong, PP1_Strong, PM1, PP3, PS3_Supporting

PreventionGenetics, part of Exact Sciences
Classification: Pathogenic for CYP1B1-related condition. Last evaluated: 2026-05-30. Review status: criteria provided, single submitter. Criteria: ACMG Guidelines, 2015. Collection method: clinical testing. Allele origin: germline. Not counted in ClinVar's aggregate classification.
Comment: The CYP1B1 c.1405C>T variant is predicted to result in the amino acid substitution p.Arg469Trp. This variant has been reported in the homozygous and compound heterozygous states in individuals with congenital glaucoma (Bejjani et al. 1998. PubMed ID: 9463332; Banerjee et al. 2016. PubMed ID: 27243976; Rauf et al. 2016. PubMed ID: 27508083; Reis et al. 2016. PubMed ID: 27777502). This variant is present in 0.0070% of alleles in individuals of European (Non-Finnish) descent in gnomAD. This variant has been classified as pathogenic by ClinGen Glaucoma Variant Curation Expert Panel in the ClinVar database (Variation ID: 7733). Given the evidence, we interpret this variant as pathogenic.

3billion
Classification: Pathogenic for CYP1B1-related disorder. Last evaluated: 2026-01-27. Review status: criteria provided, single submitter. Criteria: ACMG Guidelines, 2015. Collection method: clinical testing. Allele origin: germline. Affected: yes. Not counted in ClinVar's aggregate classification.
Comment: The variant is observed at an extremely low frequency in the gnomAD v4.1.0 dataset (total allele frequency: 0.004%). Predicted Consequence/Location: Missense variant In silico tool predictions suggest damaging effect of the variant on gene or gene product [REVEL: 0.72 (>=0.6, sensitivity 0.68 and specificity 0.92); 3Cnet: 0.99 (> 0.75, sensitivity 0.96 and precision 0.92)]. The same nucleotide change resulting in the same amino acid change has been previously reported as pathogenic/likely pathogenic with strong evidence (ClinVar ID: VCV000007733 /PMID: 9463332 /3billion dataset). The variant has been reported to be in trans with a pathogenic variant as either compound heterozygous or homozygous in at least one similarly affected unrelated individual (PMID: 9463332). The variant has been reported to co-segregate with the disease in at least one similarly affected relative/individual in the same family or similarly affected unrelated families (PMID: 9463332). Therefore, this variant is classified as Pathogenic according to the recommendation of ACMG/AMP guideline.

Fulgent Genetics
Classification: Pathogenic for Glaucoma 3A; Anterior segment dysgenesis 6. Last evaluated: 2024-04-04. Review status: criteria provided, single submitter. Criteria: ACMG Guidelines, 2015. Collection method: clinical testing. Allele origin: germline. Not counted in ClinVar's aggregate classification.

Genomic Medicine Center of Excellence, King Faisal Specialist Hospital and Research Centre
Classification: Pathogenic for Glaucoma 3A. Last evaluated: 2024-03-17. Review status: criteria provided, single submitter. Criteria: ACMG Guidelines, 2015. Collection method: research. Allele origin: germline. Not counted in ClinVar's aggregate classification.

Labcorp Genetics (formerly Invitae), Labcorp
Classification: Pathogenic for Congenital glaucoma. Last evaluated: 2024-03-07. Review status: criteria provided, single submitter. Criteria: Invitae Variant Classification Sherloc (09022015). Collection method: clinical testing. Allele origin: germline. Not counted in ClinVar's aggregate classification.
Comment: This sequence change replaces arginine, which is basic and polar, with tryptophan, which is neutral and slightly polar, at codon 469 of the CYP1B1 protein (p.Arg469Trp). This variant is present in population databases (rs28936701, gnomAD 0.007%). This missense change has been observed in individual(s) with primary congenital glaucoma (PMID: 9463332, 10655546, 18852424, 19234632, 25261878, 27508083, 32860008). In at least one individual the data is consistent with being in trans (on the opposite chromosome) from a pathogenic variant. It has also been observed to segregate with disease in related individuals. This variant is also known as 8242C>T. ClinVar contains an entry for this variant (Variation ID: 7733). Advanced modeling of protein sequence and biophysical properties (such as structural, functional, and spatial information, amino acid conservation, physicochemical variation, residue mobility, and thermodynamic stability) has been performed at Invitae for this missense variant, however the output from this modeling did not meet the statistical confidence thresholds required to predict the impact of this variant on CYP1B1 protein function. Experimental studies have shown that this missense change affects CYP1B1 function (PMID: 19234632, 27243976). For these reasons, this variant has been classified as Pathogenic.

Baylor Genetics
Classification: Pathogenic for Anterior segment dysgenesis 6. Last evaluated: 2024-02-17. Review status: criteria provided, single submitter. Criteria: ACMG Guidelines, 2015. Collection method: clinical testing. Allele origin: unknown. Not counted in ClinVar's aggregate classification.

GeneDx
Classification: Pathogenic. Last evaluated: 2023-06-12. Review status: criteria provided, single submitter. Criteria: GeneDx Variant Classification Process June 2021. Collection method: clinical testing. Allele origin: germline. Affected: yes. Not counted in ClinVar's aggregate classification.
Comment: In silico analysis supports that this missense variant has a deleterious effect on protein structure/function; This variant is associated with the following publications: (PMID: 31589614, 32860008, 19204079, 9463332, 14729846, 9497261, 17893647, 27243976, 27508083, 28384041, 27777502, 25261878, 34426522, 17591938, 36518267, 35407656, 36083974, 35085548, 36995002, 10655546, 18852424, 19234632, 37107695, 11740343)

Blueprint Genetics
Classification: Pathogenic for CYP1B1-related disorders. Last evaluated: 2023-05-24. Review status: criteria provided, single submitter. Criteria: ACMG Guidelines, 2015. Collection method: clinical testing. Allele origin: germline. Affected: yes. Observed: 5 variant alleles. Not counted in ClinVar's aggregate classification.